The following is an entry in ClinVar:

ClinVar aggregate classification (germline): Pathogenic/Likely pathogenic. Review status: criteria provided, multiple submitters, no conflicts (2 of 4 stars). 10 submissions from 9 submitters: Pathogenic (6); Likely pathogenic (4). Last evaluated 2025-08-21.

Conditions:
ADAMTSL4-related disorder. Also called: ADAMTSL4-Related Disorders; ADAMTSL4-related condition.
Ectopia lentis 2, isolated, autosomal recessive (ECTOL2). Identifiers: Orphanet 1885, MedGen C3541474, MONDO:0009152, OMIM 225100.
Ectopia lentis et pupillae. Also called: ECTOPIA LENTIS WITH ECTOPIA OF PUPIL. Identifiers: Orphanet 1885, MedGen C1644196, MONDO:0009153, OMIM 225200.
Craniosynostosis with ectopia lentis. Identifiers: MedGen C1863678, MONDO:0011347, OMIM 603595.

Submissions (10):

3billion
Classification: Pathogenic for ADAMTSL4-related disorder. Last evaluated: 2025-08-21. Review status: criteria provided, single submitter. Criteria: ACMG Guidelines, 2015. Collection method: clinical testing. Allele origin: germline. Affected: yes.
Comment: The variant is observed at an extremely low frequency in the gnomAD v4.1.0 dataset (total allele frequency: 0.004%). Predicted Consequence/Location: Frameshift: predicted to result in a loss or disruption of normal protein function through nonsense-mediated decay (NMD) or protein truncation. Multiple pathogenic variants are reported downstream of the variant. The variant has been reported at least twice as pathogenic with clinical assertions and evidence for the classification (ClinVar ID: VCV001323859 /PMID: 34818515). Therefore, this variant is classified as Pathogenic according to the recommendation of ACMG/AMP guideline.

Labcorp Genetics (formerly Invitae), Labcorp
Classification: Pathogenic. Last evaluated: 2024-12-31. Review status: criteria provided, single submitter. Criteria: Invitae Variant Classification Sherloc (09022015). Collection method: clinical testing. Allele origin: germline.
Comment: This sequence change creates a premature translational stop signal (p.Gly757Valfs*62) in the ADAMTSL4 gene. It is expected to result in an absent or disrupted protein product. Loss-of-function variants in ADAMTSL4 are known to be pathogenic (PMID: 20564469, 28642162). The frequency data for this variant in the population databases is considered unreliable, as metrics indicate poor data quality at this position in the gnomAD database. This variant has not been reported in the literature in individuals affected with ADAMTSL4-related conditions. ClinVar contains an entry for this variant (Variation ID: 1323859). For these reasons, this variant has been classified as Pathogenic.

Genomic Medicine Center of Excellence, King Faisal Specialist Hospital and Research Centre
Classification: Pathogenic for Ectopia lentis 2, isolated, autosomal recessive. Last evaluated: 2024-09-22. Review status: criteria provided, single submitter. Criteria: ACMG Guidelines, 2015. Collection method: clinical testing. Allele origin: germline.

Fulgent Genetics
Classification: Pathogenic for Ectopia lentis 2, isolated, autosomal recessive; Ectopia lentis et pupillae. Last evaluated: 2024-05-15. Review status: criteria provided, single submitter. Criteria: ACMG Guidelines, 2015. Collection method: clinical testing. Allele origin: germline.

GeneDx
Classification: Pathogenic. Last evaluated: 2024-02-01. Review status: criteria provided, single submitter. Criteria: GeneDx Variant Classification Process June 2021. Collection method: clinical testing. Allele origin: germline. Affected: yes.
Comment: Frameshift variant predicted to result in protein truncation or nonsense mediated decay in a gene for which loss of function is a known mechanism of disease; Not observed at significant frequency in large population cohorts (gnomAD); This variant is associated with the following publications: (PMID: 36089008)

Blueprint Genetics
Classification: Likely pathogenic for ADAMTSL4-related disorders. Last evaluated: 2023-11-30. Review status: criteria provided, single submitter. Criteria: ACMG Guidelines, 2015. Collection method: clinical testing. Allele origin: germline. Affected: yes. Observed: 5 variant alleles.

Victorian Clinical Genetics Services, Murdoch Childrens Research Institute
Classification: Pathogenic for Craniosynostosis with ectopia lentis. Last evaluated: 2023-07-17. Review status: criteria provided, single submitter. Criteria: ACMG Guidelines, 2015. Collection method: clinical testing. Allele origin: germline. Inheritance: Autosomal recessive inheritance. Affected: yes.
Comment: Based on the classification scheme VCGS_Germline_v1.3.4, this variant is classified as Pathogenic. Following criteria are met: 0102 - Loss of function is a known mechanism of disease in this gene and is associated with ectopia lentis et pupillae (MIM#225200), isolated ectopia lentis (MIM#225100) and craniosynostosis with ectopia lentis (MONDO:0011347; PMID: 35378950). (I) 0106 - This gene is associated with autosomal recessive disease. (I) 0115 - Variants in this gene are known to have variable expressivity. Phenotype may vary significantly among patients, even within the same family (GeneReviews). (I) 0201 - Variant is predicted to cause nonsense-mediated decay (NMD) and loss of protein (premature termination codon is located at least 54 nucleotides upstream of the final exon-exon junction). (SP) 0251 - This variant is heterozygous. (I) 0304 - Variant is present in gnomAD <0.01 for a recessive condition (v3: 7 heterozygotes, 0 homozygotes). (SP) 0701 - Other variants predicted to result in NMD comparable to the one identified in this case have very strong previous evidence for pathogenicity (DECIPHER). (SP) 0803 - This variant has limited previous evidence of pathogenicity in unrelated individuals. It has been regarded as likely pathogenic by a clinical laboratory in ClinVar and reported in three siblings with ectopia lentis et pupillae (PMID: 36089008). (SP) 1208 - Inheritance information for this variant is not currently available in this individual. (I) Legend: (SP) - Supporting pathogenic, (I) - Information, (SB) - Supporting benign

Genome-Nilou Lab
Classification: Likely pathogenic for Ectopia lentis et pupillae. Last evaluated: 2023-04-11. Review status: criteria provided, single submitter. Criteria: ACMG Guidelines, 2015. Collection method: clinical testing. Allele origin: germline. Affected: no.

Genome-Nilou Lab
Classification: Likely pathogenic for Ectopia lentis 2, isolated, autosomal recessive. Last evaluated: 2023-04-11. Review status: criteria provided, single submitter. Criteria: ACMG Guidelines, 2015. Collection method: clinical testing. Allele origin: germline. Affected: no.

Revvity Omics, Revvity
Classification: Likely pathogenic. Last evaluated: 2020-10-21. Review status: criteria provided, single submitter. Criteria: ACMG Guidelines, 2015. Collection method: clinical testing. Allele origin: germline.

Literature cited by the submitters: PubMed 34818515 (cited by 3billion); PubMed 20564469 (cited by Labcorp Genetics (formerly Invitae), Labcorp); PubMed 28642162 (cited by Labcorp Genetics (formerly Invitae), Labcorp); PubMed 35378950 (cited by Victorian Clinical Genetics Services, Murdoch Childrens Research Institute); PubMed 36089008 (cited by Victorian Clinical Genetics Services, Murdoch Childrens Research Institute).

NM_019032.6(ADAMTSL4):c.2270del (p.Gly757fs)

Gene: ADAMTSL4 (ADAMTS like 4; plus strand). Cytogenetic location: 1q21.2.
Variant type: Deletion.
Coding change: c.2270del on transcript NM_019032.6 (MANE Select); coding-DNA position 2270, one base deleted (G; older notation c.2270delG).
Protein change: p.Gly757fs; shifts the reading frame from glycine 757.
Molecular consequence: frameshift variant.
Genome position (GRCh38, 1-based): chr1:150,558,037, G deleted; the last of 8 consecutive G bases (chr1:150,558,030-150,558,037); deleting any one gives the same sequence. VCF-style (leftmost placement, unchanged base first): chr1-150558029-TG-T. GRCh37 (hg19) VCF-style: chr1-150530505-TG-T.
Other names: c.2270delG (NM_019032.5); c.2270del (NM_019032.5); c.2153del, p.Gly718fs (NM_001288607.2); c.2339del, p.Gly780fs (NM_001288608.2); c.2270del, p.Gly757fs (NM_001378596.1, NM_025008.5); short protein forms G718fs, G757fs, G780fs.
Identifiers: ClinVar variation 1323859 (VCV001323859.14), dbSNP rs747160538, ClinGen allele CA1078599.